The following is an entry in ClinVar:

ClinVar aggregate classification (germline): Benign. Review status: criteria provided, multiple submitters, no conflicts (2 of 4 stars). 7 submissions from 7 submitters: Benign (5). 2 of the submissions do not count toward it. Last evaluated 2026-02-04.

Conditions:
Nemaline myopathy 2 (NEM2). Also called: Nemaline myopathy 2, autosomal recessive. Identifiers: MedGen C1850569, MONDO:0009725, OMIM 256030.

Allele frequency attached by ClinVar (database versions not stated): gnomAD exomes 0.00285 and 0.00788; ExAC 0.00769; ESP Exome Variant Server 0.00876; gnomAD 0.01117 and 0.01123; TOPMed 0.01268; 1000 Genomes Project 30x 0.02639; 1000 Genomes Project 0.02696.
gnomAD v4.1: 5,984 of 1,569,196 alleles (0.38%); highest among the groups gnomAD compares: East Asian, 5.6%; 121 homozygotes.

Submissions (7):

Labcorp Genetics (formerly Invitae), Labcorp
Classification: Benign for Nemaline myopathy 2. Last evaluated: 2026-02-04. Review status: criteria provided, single submitter. Criteria: Invitae Variant Classification Sherloc (09022015). Collection method: clinical testing. Allele origin: germline.

Mayo Clinic Laboratories, Mayo Clinic
Classification: Benign. Last evaluated: 2020-04-10. Review status: criteria provided, single submitter. Criteria: ACMG Guidelines, 2015. Collection method: clinical testing. Allele origin: germline. Observed: 7 variant alleles.

Illumina Laboratory Services, Illumina
Classification: Benign for Nemaline myopathy 2. Last evaluated: 2018-01-12. Review status: criteria provided, single submitter. Criteria: ICSL Variant Classification Criteria 13 December 2019. Collection method: clinical testing. Allele origin: germline.
Comment: This variant was observed in the ICSL laboratory as part of a predisposition screen in an ostensibly healthy population. It had not been previously curated by ICSL or reported in the Human Gene Mutation Database (HGMD: prior to June 1st, 2018), and was therefore a candidate for classification through an automated scoring system. Utilizing variant allele frequency, disease prevalence and penetrance estimates, and inheritance mode, an automated score was calculated to assess if this variant is too frequent to cause the disease. Based on the score and internal cut-off values, a variant classified as benign is not then subjected to further curation. The score for this variant resulted in a classification of benign for this disease.

GeneDx
Classification: Benign. Last evaluated: 2016-06-20. Review status: criteria provided, single submitter. Criteria: GeneDx Variant Classification (06012015). Collection method: clinical testing. Allele origin: germline. Affected: yes.
Comment: This variant is considered likely benign or benign based on one or more of the following criteria: it is a conservative change, it occurs at a poorly conserved position in the protein, it is predicted to be benign by multiple in silico algorithms, and/or has population frequency not consistent with disease.

PreventionGenetics, part of Exact Sciences
Classification: Benign. Review status: criteria provided, single submitter. Criteria: ACMG Guidelines, 2015. Collection method: clinical testing. Allele origin: germline.

Natera, Inc.
Classification: Benign for Nemaline myopathy type 2. Last evaluated: 2020-09-16. Review status: no assertion criteria provided. Collection method: clinical testing. Allele origin: germline. Not counted in ClinVar's aggregate classification.

Genetic Services Laboratory, University of Chicago
Classification: Likely benign for AllHighlyPenetrant. Review status: no assertion criteria provided. Collection method: clinical testing. Allele origin: germline. Inheritance: Autosomal recessive inheritance. Not counted in ClinVar's aggregate classification.
Comment: Likely benign based on allele frequency in 1000 Genomes Project or ESP global frequency and its presence in a patient with a rare or unrelated disease phenotype. NOT Sanger confirmed.

NM_001164508.2(NEB):c.5772C>T (p.Tyr1924=)

Gene: NEB (nebulin; minus strand). Cytogenetic location: 2q23.3.
Variant type: single nucleotide variant.
Coding change: c.5772C>T on transcript NM_001164508.2 (MANE Select); coding-DNA position 5772, C replaced by T.
Protein change: p.Tyr1924=; no amino-acid change (tyrosine 1924 retained).
Molecular consequence: synonymous variant.
Genome position (GRCh38, 1-based): chr2:151,662,333, G>A on the plus strand (C>T on the coding strand, the complement: NEB is on the minus strand). VCF-style: chr2-151662333-G-A. GRCh37 (hg19) VCF-style: chr2-152518847-G-A.
Other names: p.Tyr1924=; c.5772C>T, p.Tyr1924= (NM_001164507.2, NM_001271208.2, NM_004543.5).
Identifiers: ClinVar variation 129751 (VCV000129751.23), dbSNP rs77547727, ClinGen allele CA154013.
Genomic context (GRCh38, chr2:151,662,333, plus strand): 5'-TTCCAGGGAGCCCAGAGGGAGCCATCCAATGCCCTTCATGAAGTCAGCATAGTCAGCCTT[G>A]TACTGATTCTGCAAAAGAGGAAAAATTAAATTATGAGAAGAAACTGGAACTTCCCAAGAA-3'
Protein context (NP_001157980.2, residues 1914-1934): NMMQIQSDNQ[Tyr1924=]KADYADFMKG